The following is an entry in ClinVar:

NM_020761.3(RPTOR):c.1594C>A (p.Arg532=)

Gene: RPTOR (regulatory associated protein of MTOR complex 1; plus strand). Cytogenetic location: 17q25.3.
Variant type: single nucleotide variant.
Coding change: c.1594C>A on transcript NM_020761.3 (MANE Select); coding-DNA position 1594, C replaced by A.
Protein change: p.Arg532=; no amino-acid change (arginine 532 retained).
Molecular consequence: synonymous variant. On other transcripts: intron variant (1).
Genome position (GRCh38, 1-based): chr17:80,883,428, C>A. VCF-style: chr17-80883428-C-A. GRCh37 (hg19) VCF-style: chr17-78857228-C-A.
Other names: c.1510-8292C>A (NM_001163034.2).
Identifiers: ClinVar variation 2648430 (VCV002648430.24), dbSNP rs151265255, ClinGen allele CA8824923.

ClinVar aggregate classification (germline): Likely benign (1 of 4 stars; one submission).

Allele frequency attached by ClinVar (database versions not stated): ESP Exome Variant Server 0.00031; TOPMed 0.00042; 1000 Genomes Project 30x 0.00078; 1000 Genomes Project 0.00100; ExAC 0.00232.
gnomAD v4.1: 2,206 of 1,614,142 alleles (0.14%); highest among the groups gnomAD compares: Non-Finnish European, 0.076%; 17 homozygotes.

Submission:

CeGaT Center for Human Genetics Tuebingen
Classification: Likely benign. Last evaluated: 2023-07-01. Review status: criteria provided, single submitter. Criteria: CeGaT Center For Human Genetics Tuebingen Variant Classification Criteria Version 2. Collection method: clinical testing. Allele origin: germline. Affected: yes. Observed: 1 variant allele.
Comment: RPTOR: BP4, BP7